The following is an entry in ClinVar:

NM_001191061.2(SLC25A22):c.818G>A (p.Arg273Lys)

Gene: SLC25A22 (solute carrier family 25 member 22; minus strand). Cytogenetic location: 11p15.5.
Variant type: single nucleotide variant.
Coding change: c.818G>A on transcript NM_001191061.2 (MANE Select); coding-DNA position 818, G replaced by A.
Protein change: p.Arg273Lys; replaces arginine 273 with lysine.
Molecular consequence: missense variant.
Genome position (GRCh38, 1-based): chr11:792,142, C>T on the plus strand (G>A on the coding strand, the complement: SLC25A22 is on the minus strand). VCF-style: chr11-792142-C-T. GRCh37 (hg19) VCF-style: chr11-792142-C-T.
Other names: c.818G>A, p.Arg273Lys (NM_001191060.2, NM_024698.6); short protein forms R273K.
Identifiers: ClinVar variation 626258 (VCV000626258.4), dbSNP rs1195505218, ClinGen allele CA378967429.

ClinVar aggregate classification (germline): Pathogenic (1 of 4 stars; one submission).

Conditions:
Early Myoclonic Encephalopathy. Identifiers: MedGen C0270855.

Allele frequency attached by ClinVar (database versions not stated): gnomAD exomes below 0.00001.
gnomAD v4.1: 1 of 1,612,364 alleles (0.000062%); highest among the groups gnomAD compares: South Asian, 0.0011%; no homozygotes.

Submission:

Medical Genetic Team, CHRU Montpellier
Classification: Pathogenic for Developmental and epileptic encephalopathy, 3. Last evaluated: 2016-11-21. Review status: criteria provided, single submitter. Criteria: ACMG Guidelines, 2015. Collection method: clinical testing, in vitro. Allele origin: paternal, not applicable. Inheritance: Autosomal recessive inheritance. Affected: yes. Observed: 3 compound heterozygotes. Clinical features observed: Global developmental delay (HP:0001263), Infantile encephalopathy (HP:0007105), Seizure (HP:0001250). Functional consequence: sequence variant affecting splice donor.
Comment: The p.(Arg273Lys) variant in SLC25A22 has been found in 3 patients (in the same family), in trans with another variant (p.(Ala272Glnfs*144)), classified pathogenic according to ACMG criteria. The frequency in GnomAD is 4.124e-6 (rs1195505218). Additionally, functional study in skin fibroblasts showed a glutamate metabolic dysfunction.